The following is an entry in ClinVar:

NM_000035.4(ALDOB):c.915C>T (p.Ala305=)

Gene: ALDOB (aldolase, fructose-bisphosphate B; minus strand). Cytogenetic location: 9q31.1.
Variant type: single nucleotide variant.
Coding change: c.915C>T on transcript NM_000035.4 (MANE Select); coding-DNA position 915, C replaced by T.
Protein change: p.Ala305=; no amino-acid change (alanine 305 retained).
Molecular consequence: synonymous variant.
Genome position (GRCh38, 1-based): chr9:101,424,927, G>A on the plus strand (C>T on the coding strand, the complement: ALDOB is on the minus strand). VCF-style: chr9-101424927-G-A. GRCh37 (hg19) VCF-style: chr9-104187209-G-A.
Identifiers: ClinVar variation 681587 (VCV000681587.1), dbSNP rs1400203483, ClinGen allele CA466461895.

ClinVar aggregate classification (germline): Likely benign (1 of 4 stars; one submission).

Allele frequency attached by ClinVar (database versions not stated): TOPMed below 0.00001; gnomAD 0.00001 and 0.00003.
gnomAD v4.1: 1 of 1,614,018 alleles (0.000062%); no homozygotes.

Submission:

GeneDx
Classification: Likely benign. Last evaluated: 2018-04-17. Review status: criteria provided, single submitter. Criteria: GeneDx Variant Classification (06012015). Collection method: clinical testing. Allele origin: germline. Affected: yes.
Comment: This variant is considered likely benign or benign based on one or more of the following criteria: it is a conservative change, it occurs at a poorly conserved position in the protein, it is predicted to be benign by multiple in silico algorithms, and/or has population frequency not consistent with disease.